The following is an entry in ClinVar:

ClinVar aggregate classification (germline): Uncertain significance. Review status: criteria provided, multiple submitters, no conflicts (2 of 4 stars). 2 submissions from 2 submitters: Uncertain significance (2). Last evaluated 2025-05-03.

Conditions:
Cardiovascular phenotype. Identifiers: MedGen CN230736.
Arrhythmogenic cardiomyopathy with wooly hair and keratoderma. Also called: PALMOPLANTAR KERATODERMA WITH LEFT VENTRICULAR CARDIOMYOPATHY AND WOOLLY HAIR; Carvajal syndrome; Dilated cardiomyopathy with woolly hair and keratoderma; Arrhythmogenic cardiomyopathy with woolly hair and keratoderma. Identifiers: Orphanet 65282, MedGen C1854063, MONDO:0011581, OMIM 605676.

Submissions (2):

Ambry Genetics
Classification: Uncertain significance for Cardiovascular phenotype. Last evaluated: 2025-05-03. Review status: criteria provided, single submitter. Criteria: Ambry Variant Classification Scheme 2023. Collection method: clinical testing. Allele origin: germline.
Comment: The p.S157C variant (also known as c.469A>T), located in coding exon 4 of the DSP gene, results from an A to T substitution at nucleotide position 469. The serine at codon 157 is replaced by cysteine, an amino acid with dissimilar properties. This amino acid position is conserved. In addition, the in silico prediction for this alteration is inconclusive. Based on the available evidence, the clinical significance of this variant remains unclear.

All of Us Research Program, National Institutes of Health
Classification: Uncertain significance for Arrhythmogenic cardiomyopathy with wooly hair and keratoderma. Last evaluated: 2023-11-02. Review status: criteria provided, single submitter. Criteria: ACMG Guidelines, 2015. Collection method: clinical testing. Allele origin: germline. Inheritance: Autosomal dominant inheritance. Observed: 1 variant allele, 1 heterozygote.
Comment: This missense variant replaces serine with cysteine at codon 157 of the DSP protein. Computational prediction suggests that this variant may not impact protein structure and function (internally defined REVEL score threshold <= 0.5, PMID: 27666373). To our knowledge, functional studies have not been reported for this variant. This variant has not been reported in individuals affected with DSP-related disorders in the literature. This variant has not been identified in the general population by the Genome Aggregation Database (gnomAD). The available evidence is insufficient to determine the role of this variant in disease conclusively. Therefore, this variant is classified as a Variant of Uncertain Significance.

This study involves interpretation of variants in research participants for the purpose of population health screening. Participant phenotype was not available at the time of variant classification. Additional details can be found in publication PMID: 35346344, PMCID: PMC8962531

NM_004415.4(DSP):c.469A>T (p.Ser157Cys)

Gene: DSP (desmoplakin; plus strand). Cytogenetic location: 6p24.3.
Variant type: single nucleotide variant.
Coding change: c.469A>T on transcript NM_004415.4 (MANE Select); coding-DNA position 469, A replaced by T.
Protein change: p.Ser157Cys; replaces serine 157 with cysteine.
Molecular consequence: missense variant.
Genome position (GRCh38, 1-based): chr6:7,559,272, A>T. VCF-style: chr6-7559272-A-T. GRCh37 (hg19) VCF-style: chr6-7559505-A-T.
Other names: c.469A>T, p.Ser157Cys (NM_001008844.3, NM_001319034.2, NM_001406591.1); short protein forms S157C.
Identifiers: ClinVar variation 3074333 (VCV003074333.2), dbSNP rs2533853365, ClinGen allele CA362672248.
Genomic context (GRCh38, chr6:7,559,272, plus strand): 5'-TTTTTTCTTTGCAGGCTTCTTCAGCTCCAAGAGCAAATGCGAGCCCTTTATAAAGCCATC[A>T]GTGTCCCTCGAGTCCGCAGGGCCAGCTCCAAGGGTGGTGGAGGCTACACTTGTCAGAGTG-3'
Protein context (NP_004406.2, residues 147-167): EQMRALYKAI[Ser157Cys]VPRVRRASSK